The following is an entry in ClinVar:

NM_000548.5(TSC2):c.3719G>T (p.Arg1240Leu)

Gene: TSC2 (TSC complex subunit 2; plus strand). Cytogenetic location: 16p13.3.
Variant type: single nucleotide variant.
Coding change: c.3719G>T on transcript NM_000548.5 (MANE Select); coding-DNA position 3719, G replaced by T.
Protein change: p.Arg1240Leu; replaces arginine 1240 with leucine.
Molecular consequence: missense variant.
Genome position (GRCh38, 1-based): chr16:2,081,703, G>T. VCF-style: chr16-2081703-G-T. GRCh37 (hg19) VCF-style: chr16-2131704-G-T.
Other names: c.3719G>T (NM_000548.3); c.3587G>T, p.Arg1196Leu (NM_001370404.1, NM_001077183.3); c.3590G>T, p.Arg1197Leu (NM_001370405.1, NM_021055.3, NM_001363528.2); c.3719G>T, p.Arg1240Leu (NM_001114382.3); c.3479G>T, p.Arg1160Leu (NM_001318827.2); c.3443G>T, p.Arg1148Leu (NM_001318829.2); c.2987G>T, p.Arg996Leu (NM_001318831.2); c.3620G>T, p.Arg1207Leu (NM_001318832.2); short protein forms R1196L, R1207L, R1197L, R1240L, R996L, R1148L, R1160L.
Identifiers: ClinVar variation 1044744 (VCV001044744.9), dbSNP rs1567510707, ClinGen allele CA394292759.
Genomic context (GRCh38, chr16:2,081,703, plus strand): 5'-CCTCGGACATCAACAACATGCCCCTGCAGGAGCTGTCTAACGCCCTCATGGCGGCTGAGC[G>T]CTTCAAGGAGCACCGGGACACAGCCCTGTACAAGTCACTGTCGGTGCCGGCAGCCAGCAC-3'
Protein context (NP_000539.2, residues 1230-1250): ELSNALMAAE[Arg1240Leu]FKEHRDTALY

ClinVar aggregate classification (germline): Uncertain significance. Review status: criteria provided, multiple submitters, no conflicts (2 of 4 stars). 2 submissions from 2 submitters: Uncertain significance (2). Last evaluated 2026-07-06.

Conditions:
Tuberous sclerosis 2 (TSC2). Identifiers: Orphanet 805, MedGen C1860707, MONDO:0013199, OMIM 613254.
Hereditary cancer-predisposing syndrome. Also called: Tumor predisposition; Hereditary Cancer Syndrome; Hereditary neoplastic syndrome; Neoplastic Syndromes, Hereditary. Identifiers: Orphanet 140162, MedGen C0027672, MeSH D009386, MONDO:0015356.

Submissions (2):

Ambry Genetics
Classification: Uncertain significance for Hereditary cancer-predisposing syndrome. Last evaluated: 2026-07-06. Review status: criteria provided, single submitter. Criteria: Ambry Variant Classification Scheme 2023. Collection method: clinical testing. Allele origin: germline.
Comment: The p.R1240L variant (also known as c.3719G>T), located in coding exon 30 of the TSC2 gene, results from a G to T substitution at nucleotide position 3719. The arginine at codon 1240 is replaced by leucine, an amino acid with dissimilar properties. This amino acid position is conserved. In addition, this alteration is predicted to be deleterious by in silico analysis. Based on the available evidence, the clinical significance of this variant remains unclear.

Labcorp Genetics (formerly Invitae), Labcorp
Classification: Uncertain significance for Tuberous sclerosis 2. Last evaluated: 2024-06-11. Review status: criteria provided, single submitter. Criteria: Invitae Variant Classification Sherloc (09022015). Collection method: clinical testing. Allele origin: germline.
Comment: This sequence change replaces arginine, which is basic and polar, with leucine, which is neutral and non-polar, at codon 1240 of the TSC2 protein (p.Arg1240Leu). This variant is not present in population databases (gnomAD no frequency). This variant has not been reported in the literature in individuals affected with TSC2-related conditions. ClinVar contains an entry for this variant (Variation ID: 1044744). Advanced modeling of protein sequence and biophysical properties (such as structural, functional, and spatial information, amino acid conservation, physicochemical variation, residue mobility, and thermodynamic stability) performed at Invitae indicates that this missense variant is not expected to disrupt TSC2 protein function with a negative predictive value of 95%. In summary, the available evidence is currently insufficient to determine the role of this variant in disease. Therefore, it has been classified as a Variant of Uncertain Significance.